The following is an entry in ClinVar:

ClinVar aggregate classification (germline): Likely benign (1 of 4 stars; one submission).

Allele frequency attached by ClinVar (database versions not stated): gnomAD 0.00401 and 0.00429.

Submission:

GeneDx
Classification: Likely benign. Last evaluated: 2020-02-03. Review status: criteria provided, single submitter. Criteria: GeneDx Variant Classification Process June 2021. Collection method: clinical testing. Allele origin: germline. Affected: yes.
Comment: See Variant Classification Assertion Criteria.

NM_016734.3(PAX5):c.-79A>G

Genes: PAX5 (paired box 5; minus strand), LOC108254682 (PAX5 promoter region; plus strand). Cytogenetic location: 9p13.2.
Variant type: single nucleotide variant.
Coding change: c.-79A>G on transcript NM_016734.3 (MANE Select); 79 bases upstream of the start codon, A replaced by G.
Molecular consequence: 5 prime UTR variant. On other transcripts: non-coding transcript variant (2).
Genome position (GRCh38, 1-based): chr9:37,034,110, T>C on the plus strand (A>G on the coding strand, the complement: PAX5 is on the minus strand). VCF-style: chr9-37034110-T-C. GRCh37 (hg19) VCF-style: chr9-37034107-T-C.
Other names: c.-79A>G (NM_001280547.2, NM_001280548.2, NM_001280549.2 and 5 more transcripts); c.-237A>G (NM_001280551.2, NM_001280556.2).
Identifiers: ClinVar variation 1695492 (VCV001695492.2), dbSNP rs868569451, ClinGen allele CA193165789.